The following is an entry in ClinVar:

ClinVar aggregate classification (germline): Uncertain significance (1 of 4 stars; one submission).

Conditions:
Neuropathy, hereditary sensory and autonomic, type 2A (HSAN2A). Also called: ACROOSTEOLYSIS, GIACCAI TYPE; ACROOSTEOLYSIS, NEUROGENIC; MORVAN DISEASE; NEUROPATHY, CONGENITAL SENSORY; NEUROPATHY, HEREDITARY SENSORY RADICULAR, AUTOSOMAL RECESSIVE; NEUROPATHY, HEREDITARY SENSORY, TYPE IIA. Identifiers: Orphanet 970, MedGen C2752089, MONDO:0024309, OMIM 201300.
Generalized epilepsy with febrile seizures plus, type 7 (GEFSP7). Also called: GEFS+, TYPE 7. Identifiers: Orphanet 36387, MedGen C2751778, MONDO:0013470, OMIM 613863.

gnomAD v4.1: 2 of 1,613,916 alleles (0.00012%); highest among the groups gnomAD compares: Non-Finnish European, 0.00017%; no homozygotes.

Submission:

Labcorp Genetics (formerly Invitae), Labcorp
Classification: Uncertain significance for Neuropathy, hereditary sensory and autonomic, type 2A; Generalized epilepsy with febrile seizures plus, type 7. Last evaluated: 2025-06-25. Review status: criteria provided, single submitter. Criteria: Invitae Variant Classification Sherloc (09022015). Collection method: clinical testing. Allele origin: germline.
Comment: This sequence change replaces arginine, which is basic and polar, with lysine, which is basic and polar, at codon 560 of the SCN9A protein (p.Arg560Lys). This variant is not present in population databases (gnomAD no frequency). This variant has not been reported in the literature in individuals affected with SCN9A-related conditions. Invitae Evidence Modeling of protein sequence and biophysical properties (such as structural, functional, and spatial information, amino acid conservation, physicochemical variation, residue mobility, and thermodynamic stability) has been performed for this missense variant. However, the output from this modeling did not meet the statistical confidence thresholds required to predict the impact of this variant on SCN9A protein function. In summary, the available evidence is currently insufficient to determine the role of this variant in disease. Therefore, it has been classified as a Variant of Uncertain Significance.

NM_001365536.1(SCN9A):c.1679G>A (p.Arg560Lys)

Genes: SCN1A-AS1 (SCN1A and SCN9A antisense RNA 1; plus strand), SCN9A (sodium voltage-gated channel alpha subunit 9; minus strand). Cytogenetic location: 2q24.3.
Variant type: single nucleotide variant.
Coding change: c.1679G>A on transcript NM_001365536.1 (MANE Select); coding-DNA position 1679, G replaced by A.
Protein change: p.Arg560Lys; replaces arginine 560 with lysine.
Molecular consequence: missense variant.
Genome position (GRCh38, 1-based): chr2:166,284,748, C>T on the plus strand (G>A on the coding strand, the complement: SCN9A is on the minus strand). VCF-style: chr2-166284748-C-T. GRCh37 (hg19) VCF-style: chr2-167141258-C-T.
Other names: c.1679G>A, p.Arg560Lys (NM_002977.4); short protein forms R560K.
Identifiers: ClinVar variation 4789016 (VCV004789016.1).